The following is an entry in ClinVar:

ClinVar aggregate classification (germline): Benign. Review status: reviewed by expert panel (3 of 4 stars). 2 submissions from 2 submitters: Benign (1). 1 of the submissions does not count toward it. Last evaluated 2024-09-10.

Conditions:
Inborn genetic diseases. Identifiers: MedGen C0950123, MeSH D030342.
Hereditary thrombocytopenia and hematologic cancer predisposition syndrome. Identifiers: Orphanet 71290, MedGen CN281654, MONDO:0011071.

gnomAD v4.1: 1,157 of 1,266,062 alleles (0.091%); highest among the groups gnomAD compares: East Asian, 0.39%; no homozygotes.

Submissions (2):

ClinGen Myeloid Malignancy Variant Curation Expert Panel
Classification: Benign for Hereditary thrombocytopenia and hematologic cancer predisposition syndrome. Last evaluated: 2024-09-10. Review status: reviewed by expert panel. Criteria: ClinGen MyeloMalig ACMG Specifications v2. Collection method: curation. Allele origin: germline. Inheritance: Autosomal dominant inheritance.
Comment: NM_001754.5(RUNX1):c.1265A>G (p.Glu422Gly) is a missense variant with a MAF of 0.003913 (0.3913%, 114/29136, 114 alleles) in the East Asian subpopulation of the gnomAD v4.0.0 cohort is ≥ 0.0015 (0.15%) (BA1). This missense variant has a REVEL score < 0.50 (0.086) and a SpliceAI score ≤ 0.20 (0.0) (BP4). In summary, this variant meets criteria to be classified as benign. ACMG/AMP criteria applied, as specified by the Myeloid Malignancy Variant Curation Expert Panel for RUNX1: BA1, BP4.

Ambry Genetics
Classification: Likely benign for Inborn genetic diseases. Last evaluated: 2025-05-14. Review status: criteria provided, single submitter. Criteria: Ambry Variant Classification Scheme 2023. Collection method: clinical testing. Allele origin: germline. Not counted in ClinVar's aggregate classification.

NM_001754.5(RUNX1):c.1265A>G (p.Glu422Gly)

Gene: RUNX1 (RUNX family transcription factor 1; minus strand). Cytogenetic location: 21q22.12.
Variant type: single nucleotide variant.
Coding change: c.1265A>G on transcript NM_001754.5 (MANE Select); coding-DNA position 1265, A replaced by G.
Protein change: p.Glu422Gly; replaces glutamic acid 422 with glycine.
Molecular consequence: missense variant.
Genome position (GRCh38, 1-based): chr21:34,792,313, T>C on the plus strand (A>G on the coding strand, the complement: RUNX1 is on the minus strand). VCF-style: chr21-34792313-T-C. GRCh37 (hg19) VCF-style: chr21-36164610-T-C.
Other names: NM_001754.5(RUNX1):c.1265A>G; p.Glu422Gly; c.1184A>G, p.Glu395Gly (NM_001001890.3); short protein forms E395G, E422G.
Identifiers: ClinVar variation 2362516 (VCV002362516.4), dbSNP rs2056451758, ClinGen allele CA410147587.